The following is an entry in ClinVar:

NM_000089.4(COL1A2):c.2413G>T (p.Gly805Cys)

Gene: COL1A2 (collagen type I alpha 2 chain; plus strand). Cytogenetic location: 7q21.3.
Variant type: single nucleotide variant.
Coding change: c.2413G>T on transcript NM_000089.4 (MANE Select); coding-DNA position 2413, G replaced by T.
Protein change: p.Gly805Cys; replaces glycine 805 with cysteine.
Molecular consequence: missense variant.
Genome position (GRCh38, 1-based): chr7:94,422,966, G>T. VCF-style: chr7-94422966-G-T. GRCh37 (hg19) VCF-style: chr7-94052278-G-T.
Other names: short protein forms G805C.
Identifiers: ClinVar variation 1075257 (VCV001075257.6), dbSNP rs72658190, ClinGen allele CA162937933.

ClinVar aggregate classification (germline): Pathogenic (1 of 4 stars; one submission).

Conditions:
Osteogenesis imperfecta type I (OI1). Also called: OI, TYPE I; OSTEOGENESIS IMPERFECTA TARDA; OSTEOGENESIS IMPERFECTA WITH BLUE SCLERAE; Osteogenesis imperfecta type 1; Classic Non-deforming Osteogenesis Imperfecta with Blue Sclerae; Lobstein's Disease. Identifiers: Orphanet 216796, Orphanet 666, MedGen C0023931, MONDO:0008146, OMIM 166200. Disease mechanism: loss of function.
Ehlers-Danlos syndrome, classic type, 1 (EDSCL1). Also called: EHLERS-DANLOS SYNDROME, GRAVIS TYPE; EHLERS-DANLOS SYNDROME, SEVERE CLASSIC TYPE; EDS I; Ehlers-Danlos Syndrome, Classic Type, COL5A1-Related; Ehlers-Danlos syndrome, type 1. Identifiers: MedGen C0268335, MONDO:0019567, OMIM 130000.

Submission:

Labcorp Genetics (formerly Invitae), Labcorp
Classification: Pathogenic for Osteogenesis imperfecta type I; Ehlers-Danlos syndrome, classic type, 1. Last evaluated: 2026-01-18. Review status: criteria provided, single submitter. Criteria: Invitae Variant Classification Sherloc (09022015). Collection method: clinical testing. Allele origin: germline.
Comment: This sequence change replaces glycine, which is neutral and non-polar, with cysteine, which is neutral and slightly polar, at codon 805 of the COL1A2 protein (p.Gly805Cys). This variant is not present in population databases (gnomAD no frequency). This missense change has been observed in individual(s) with autosomal dominant osteogenesis imperfecta (PMID: 17078022). ClinVar contains an entry for this variant (Variation ID: 1075257). Invitae Evidence Modeling of protein sequence and biophysical properties (such as structural, functional, and spatial information, amino acid conservation, physicochemical variation, residue mobility, and thermodynamic stability) indicates that this missense variant is expected to disrupt COL1A2 protein function with a positive predictive value of 95%. This variant disrupts the triple helix domain of COL1A2. Glycine residues within the Gly-Xaa-Yaa repeats of the triple helix domain are required for the structure and stability of fibrillar collagens (PMID: 7695699, 8218237, 19344236). In COL1A2, variants affecting these glycine residues are significantly enriched in individuals with disease (PMID: 9016532, 17078022) compared to the general population (ExAC). For these reasons, this variant has been classified as Pathogenic.

Literature cited by the submitters: PubMed 17078022; PubMed 7695699; PubMed 8218237; PubMed 19344236; PubMed 9016532.